The following is an entry in ClinVar:

NM_000297.4(PKD2):c.2241-6_2243del

Gene: PKD2 (polycystin 2, transient receptor potential cation channel; plus strand). Cytogenetic location: 4q22.1.
Variant type: Deletion.
Coding change: c.2241-6_2243del on transcript NM_000297.4 (MANE Select); 6 bases into the intron before coding-DNA position 2241 through coding-DNA position 2243, 9 bases deleted (TTTCAGGAA; older notation c.2241-6_2243delTTTCAGGAA).
Molecular consequence: splice acceptor variant.
Genome position (GRCh38, 1-based): chr4:88,065,756-88,065,764, TTTCAGGAA deleted; deleting any 9 consecutive bases within chr4:88,065,754-88,065,764 gives the same sequence; the c. name uses the placement nearest the transcript's 3' end. VCF-style (leftmost placement, unchanged base first): chr4-88065753-TAATTTCAGG-T. GRCh37 (hg19) VCF-style: chr4-88986905-TAATTTCAGG-T.
Identifiers: ClinVar variation 3377084 (VCV003377084.1).

ClinVar aggregate classification (germline): Likely pathogenic (1 of 4 stars; one submission).

Conditions:
Polycystic kidney disease 2 (PKD2). Also called: POLYCYSTIC KIDNEY DISEASE, ADULT, TYPE II; Polycystic Kidney Disease 2, Autosomal Dominant; POLYCYSTIC KIDNEY DISEASE 2 WITH OR WITHOUT POLYCYSTIC LIVER DISEASE. Identifiers: MedGen C2751306, MONDO:0013131, OMIM 613095.

Submission:

Victorian Clinical Genetics Services, Murdoch Childrens Research Institute
Classification: Likely pathogenic for Polycystic kidney disease 2. Last evaluated: 2024-09-20. Review status: criteria provided, single submitter. Criteria: ACMG Guidelines, 2015. Collection method: clinical testing. Allele origin: germline. Inheritance: Autosomal dominant inheritance. Affected: yes.
Comment: Based on the classification scheme VCGS_Germline_v1.3.4, this variant is classified as Likely Pathogenic. Following criteria are met: 0102 - Loss of function is a known mechanism of disease in this gene and is associated with polycystic kidney disease 2 (MIM#613095). (I) 0107 - This gene is associated with autosomal dominant disease. (I) 0211 - Canonical splice site variant without proven consequence on splicing (no functional evidence available). (SP) 0251 - This variant is heterozygous. (I) 0301 - Variant is absent from gnomAD (both v2 and v3). (SP) 0505 - Abnormal splicing is predicted by in silico tools and affected nucleotide is highly conserved. (SP) 0703 - Other canonical splice site variants comparable to the one identified in this case have moderate previous evidence for pathogenicity. c.2241-2A>G has been classified as likely pathogenic or pathogenic in ClinVar, and as pathogenic by the polycystic kidney disease database. This variant has also been observed in multiple individuals with cystic kidney disease (PMID: 33639313). c.2241-1G>T has also been classified as pathogenic by an online resource, and has been observed in an individual with polycystic kidney disease (PMID: 17582161). (SP) 0807 - This variant has no previous evidence of pathogenicity. (I) 0905 - No published segregation evidence has been identified for this variant. (I) 1007 - No published functional evidence has been identified for this variant. (I) 1208 - Inheritance information for this variant is not currently available in this individual. (I) Legend: (SP) - Supporting pathogenic, (I) - Information, (SB) - Supporting benign

Literature cited by the submitters: PubMed 17582161; PubMed 33639313.